The following is an entry in ClinVar:

NM_000059.4(BRCA2):c.7351G>A (p.Asp2451Asn)

Gene: BRCA2 (BRCA2 DNA repair associated; plus strand). Cytogenetic location: 13q13.1.
Variant type: single nucleotide variant.
Coding change: c.7351G>A on transcript NM_000059.4 (MANE Select); coding-DNA position 7351, G replaced by A.
Protein change: p.Asp2451Asn; replaces aspartic acid 2451 with asparagine.
Molecular consequence: missense variant.
Genome position (GRCh38, 1-based): chr13:32,355,204, G>A. VCF-style: chr13-32355204-G-A. GRCh37 (hg19) VCF-style: chr13-32929341-G-A.
Other names: short protein forms D2451N.
Identifiers: ClinVar variation 421192 (VCV000421192.10), dbSNP rs1064794968, ClinGen allele CA16619761.
Genomic context (GRCh38, chr13:32,355,204, plus strand): 5'-AACAGACAAAAGCAAAACATTGATGGACATGGCTCTGATGATAGTAAAAATAAGATTAAT[G>A]ACAATGAGATTCATCAGTTTAACAAAAACAACTCCAATCAAGCAGTAGCTGTAACTTTCA-3'
Protein context (NP_000050.3, residues 2441-2461): GSDDSKNKIN[Asp2451Asn]NEIHQFNKNN

ClinVar aggregate classification (germline): Conflicting classifications of pathogenicity. Review status: criteria provided, conflicting classifications (1 of 4 stars). 4 submissions from 4 submitters: Uncertain significance (3); Likely benign (1). Last evaluated 2024-08-27.

Conditions:
Hereditary breast ovarian cancer syndrome. Also called: Hereditary breast and ovarian cancer; Hereditary breast and/or ovarian cancer syndrome; Hereditary breast and ovarian cancer syndrome; Hereditary breast and ovarian cancer syndrome (HBOC); Breast and ovarian cancer; BRCA1- and BRCA2-Associated Hereditary Breast and Ovarian Cancer. Identifiers: Orphanet 145, MedGen C0677776, MeSH D061325, MONDO:0003582. Disease mechanism: loss of function.
Hereditary cancer-predisposing syndrome. Also called: Hereditary neoplastic syndrome; Tumor predisposition; Neoplastic Syndromes, Hereditary; Hereditary Cancer Syndrome. Identifiers: Orphanet 140162, MedGen C0027672, MeSH D009386, MONDO:0015356.

Allele frequency attached by ClinVar (database versions not stated): gnomAD exomes below 0.00001.
gnomAD v4.1: 1 of 1,609,892 alleles (0.000062%); highest among the groups gnomAD compares: Non-Finnish European, 0.000085%; no homozygotes.

Submissions (4):

Ambry Genetics
Classification: Likely benign for Hereditary cancer-predisposing syndrome. Last evaluated: 2024-08-27. Review status: criteria provided, single submitter. Criteria: Ambry Variant Classification Scheme 2023. Collection method: clinical testing. Allele origin: germline.

Color Diagnostics, LLC DBA Color Health
Classification: Uncertain significance for Hereditary cancer-predisposing syndrome. Last evaluated: 2024-03-05. Review status: criteria provided, single submitter. Criteria: ACMG Guidelines, 2015. Collection method: clinical testing. Allele origin: germline.
Comment: This missense variant replaces aspartic acid with asparagine at codon 2451 of the BRCA2 protein. Computational prediction suggests that this variant may not impact protein structure and function. To our knowledge, functional studies have not been reported for this variant. This variant has not been reported in individuals affected with BRCA2-related disorders in the literature. This variant has not been identified in the general population by the Genome Aggregation Database (gnomAD). The available evidence is insufficient to determine the role of this variant in disease conclusively. Therefore, this variant is classified as a Variant of Uncertain Significance.

GeneDx
Classification: Uncertain significance. Last evaluated: 2024-02-28. Review status: criteria provided, single submitter. Criteria: GeneDx Variant Classification Process June 2021. Collection method: clinical testing. Allele origin: germline. Affected: yes.
Comment: Not observed at significant frequency in large population cohorts (gnomAD); In silico analysis supports that this missense variant does not alter protein structure/function; Has not been previously published as pathogenic or benign to our knowledge; Also known as 7579G>A; This variant is associated with the following publications: (PMID: 32377563, 29884841, 36922933)

Labcorp Genetics (formerly Invitae), Labcorp
Classification: Uncertain significance for Hereditary breast ovarian cancer syndrome. Last evaluated: 2022-12-21. Review status: criteria provided, single submitter. Criteria: Invitae Variant Classification Sherloc (09022015). Collection method: clinical testing. Allele origin: germline.
Comment: Advanced modeling of protein sequence and biophysical properties (such as structural, functional, and spatial information, amino acid conservation, physicochemical variation, residue mobility, and thermodynamic stability) performed at Invitae indicates that this missense variant is not expected to disrupt BRCA2 protein function. In summary, the available evidence is currently insufficient to determine the role of this variant in disease. Therefore, it has been classified as a Variant of Uncertain Significance. ClinVar contains an entry for this variant (Variation ID: 421192). This variant has not been reported in the literature in individuals affected with BRCA2-related conditions. This variant is not present in population databases (gnomAD no frequency). This sequence change replaces aspartic acid, which is acidic and polar, with asparagine, which is neutral and polar, at codon 2451 of the BRCA2 protein (p.Asp2451Asn).